The following is an entry in ClinVar:

NM_000435.3(NOTCH3):c.3658C>T (p.Arg1220Trp)

Gene: NOTCH3 (notch receptor 3; minus strand). Cytogenetic location: 19p13.12.
Variant type: single nucleotide variant.
Coding change: c.3658C>T on transcript NM_000435.3 (MANE Select); coding-DNA position 3658, C replaced by T.
Protein change: p.Arg1220Trp; replaces arginine 1220 with tryptophan.
Molecular consequence: missense variant.
Genome position (GRCh38, 1-based): chr19:15,179,085, G>A on the plus strand (C>T on the coding strand, the complement: NOTCH3 is on the minus strand). VCF-style: chr19-15179085-G-A. GRCh37 (hg19) VCF-style: chr19-15289896-G-A.
Other names: short protein forms R1220W.
Identifiers: ClinVar variation 707700 (VCV000707700.22), dbSNP rs115872852, ClinGen allele CA9263026.

ClinVar aggregate classification (germline): Benign/Likely benign. Review status: criteria provided, multiple submitters, no conflicts (2 of 4 stars). 4 submissions from 4 submitters: Benign (1); Likely benign (3). Last evaluated 2026-01-26.

Conditions:
NOTCH3-related disorder. Also called: NOTCH3-related disorders; NOTCH3-related condition.

Allele frequency attached by ClinVar (database versions not stated): gnomAD exomes 0.00010; ExAC 0.00014; TOPMed 0.00030; gnomAD 0.00036; ESP Exome Variant Server 0.00046; 1000 Genomes Project 30x 0.00094; 1000 Genomes Project 0.00100.
gnomAD v4.1: 105 of 1,614,198 alleles (0.0065%); highest among the groups gnomAD compares: African/African-American, 0.11%; no homozygotes.

Submissions (4):

PreventionGenetics, part of Exact Sciences
Classification: Likely benign for NOTCH3-related condition. Last evaluated: 2026-01-26. Review status: criteria provided, single submitter. Criteria: ACMG Guidelines, 2015. Collection method: clinical testing. Allele origin: germline.
Comment: This variant is classified as likely benign based on ACMG/AMP sequence variant interpretation guidelines (Richards et al. 2015 PMID: 25741868, with internal and published modifications).

Labcorp Genetics (formerly Invitae), Labcorp
Classification: Likely benign. Last evaluated: 2025-12-17. Review status: criteria provided, single submitter. Criteria: Invitae Variant Classification Sherloc (09022015). Collection method: clinical testing. Allele origin: germline.

Athena Diagnostics
Classification: Benign. Last evaluated: 2025-09-15. Review status: criteria provided, single submitter. Criteria: Athena Diagnostics Criteria. Collection method: clinical testing. Allele origin: unknown.
Comment: The frequency of this variant in the general population is higher than would generally be expected for pathogenic variants in this gene.

ARUP Laboratories, Molecular Genetics and Genomics, ARUP Laboratories
Classification: Likely benign. Last evaluated: 2025-05-15. Review status: criteria provided, single submitter. Criteria: ARUP Molecular Germline Variant Investigation Process 2024. Collection method: clinical testing. Allele origin: germline.